The following is an entry in ClinVar:

ClinVar aggregate classification (germline): Uncertain significance (1 of 4 stars; one submission).

Allele frequency attached by ClinVar (database versions not stated): gnomAD exomes below 0.00001.
gnomAD v4.1: 1 of 1,611,958 alleles (0.000062%); highest among the groups gnomAD compares: Non-Finnish European, 0.000085%; no homozygotes.

Submission:

Labcorp Genetics (formerly Invitae), Labcorp
Classification: Uncertain significance. Last evaluated: 2023-05-15. Review status: criteria provided, single submitter. Criteria: Invitae Variant Classification Sherloc (09022015). Collection method: clinical testing. Allele origin: germline.
Comment: In summary, the available evidence is currently insufficient to determine the role of this variant in disease. Therefore, it has been classified as a Variant of Uncertain Significance. Algorithms developed to predict the effect of sequence changes on RNA splicing suggest that this variant may disrupt the consensus splice site. This variant has not been reported in the literature in individuals affected with ITGA8-related conditions. This variant is not present in population databases (gnomAD no frequency). This sequence change falls in intron 18 of the ITGA8 gene. It does not directly change the encoded amino acid sequence of the ITGA8 protein.

NM_003638.3(ITGA8):c.1903-13T>G

Gene: ITGA8 (integrin subunit alpha 8; minus strand). Cytogenetic location: 10p13.
Variant type: single nucleotide variant.
Coding change: c.1903-13T>G on transcript NM_003638.3 (MANE Select); 13 bases into the intron before coding-DNA position 1903, T replaced by G.
Molecular consequence: intron variant.
Genome position (GRCh38, 1-based): chr10:15,605,804, A>C on the plus strand (T>G on the coding strand, the complement: ITGA8 is on the minus strand). VCF-style: chr10-15605804-A-C. GRCh37 (hg19) VCF-style: chr10-15647803-A-C.
Other names: c.1858-13T>G (NM_001291494.2).
Identifiers: ClinVar variation 2959998 (VCV002959998.3), dbSNP rs2491047504, ClinGen allele CA2608376044.
Genomic context (GRCh38, chr10:15,605,804, plus strand): 5'-GTCAGGAACACACAGATTGTCTTCTCCACAGTCCACCAGAATGTGAGCCTGTGTTGTATA[A>C]ACGCACGTCAGGAACAATCTAGGAAAATCTGATTCACATCCTTTTTCTTGAAAATTCTGA-3'